The following is an entry in ClinVar:

ClinVar aggregate classification (germline): Pathogenic/Likely pathogenic. Review status: criteria provided, multiple submitters, no conflicts (2 of 4 stars). 2 submissions from 2 submitters: Pathogenic (1); Likely pathogenic (1). Last evaluated 2025-09-25.

Submissions (2):

GeneDx
Classification: Pathogenic. Last evaluated: 2025-09-25. Review status: criteria provided, single submitter. Criteria: GeneDx Variant Classification Process June 2021. Collection method: clinical testing. Allele origin: germline.
Comment: Canonical splice site variant predicted to result in a null allele in a gene for which loss of function is a known mechanism of disease; Not observed at significant frequency in large population cohorts (gnomAD); Has not been previously published as pathogenic or benign to our knowledge

Labcorp Genetics (formerly Invitae), Labcorp
Classification: Likely pathogenic. Last evaluated: 2018-05-24. Review status: criteria provided, single submitter. Criteria: Invitae Variant Classification Sherloc (09022015). Collection method: clinical testing. Allele origin: germline.
Comment: This sequence change affects a donor splice site in intron 15 of the NAA15 gene. It is expected to disrupt RNA splicing and likely results in an absent or disrupted protein product. In summary, the currently available evidence indicates that the variant is pathogenic, but additional data are needed to prove that conclusively. Therefore, this variant has been classified as Likely Pathogenic. Donor and acceptor splice site variants typically lead to a loss of protein function (PMID: 16199547), and loss-of-function variants in NAA15 are known to be pathogenic (PMID: 28191889). This variant has not been reported in the literature in individuals with NAA15-related disease. This variant is not present in population databases (ExAC no frequency).

Literature cited by the submitters: PubMed 16199547 (cited by Labcorp Genetics (formerly Invitae), Labcorp); PubMed 28191889 (cited by Labcorp Genetics (formerly Invitae), Labcorp).

NM_057175.5(NAA15):c.1947+1G>A

Gene: NAA15 (N-alpha-acetyltransferase 15, NatA auxiliary subunit; plus strand). Cytogenetic location: 4q31.1.
Variant type: single nucleotide variant.
Coding change: c.1947+1G>A on transcript NM_057175.5 (MANE Select); the canonical splice donor site of the intron after coding-DNA position 1947, G replaced by A.
Molecular consequence: splice donor variant.
Genome position (GRCh38, 1-based): chr4:139,370,405, G>A. VCF-style: chr4-139370405-G-A. GRCh37 (hg19) VCF-style: chr4-140291559-G-A.
Other names: c.1947+1G>A (NM_001410842.1).
Identifiers: ClinVar variation 1065944 (VCV001065944.9), dbSNP rs2110977610, ClinGen allele CA358269793.